The following is an entry in ClinVar:

ClinVar aggregate classification (germline): Benign/Likely benign. Review status: criteria provided, multiple submitters, no conflicts (2 of 4 stars). 4 submissions from 4 submitters: Benign (2); Likely benign (2). Last evaluated 2026-02-01.

Conditions:
Retinitis pigmentosa (RP). Identifiers: Orphanet 791, MedGen C0035334, MeSH D012174, MONDO:0019200, OMIM 268000. Inheritance: Autosomal dominant, autosomal recessive and X linked inheritance.

Allele frequency attached by ClinVar (database versions not stated): gnomAD 0.01408 and 0.01491; TOPMed 0.01592; 1000 Genomes Project 0.01717; 1000 Genomes Project 30x 0.02014; gnomAD exomes 0.00141 and 0.00350; ExAC 0.00435; ESP Exome Variant Server 0.01376.
gnomAD v4.1: 4,330 of 1,614,078 alleles (0.27%); highest among the groups gnomAD compares: African/African-American, 4.9%; 92 homozygotes.

Submissions (4):

Labcorp Genetics (formerly Invitae), Labcorp
Classification: Benign. Last evaluated: 2026-02-01. Review status: criteria provided, single submitter. Criteria: Invitae Variant Classification Sherloc (09022015). Collection method: clinical testing. Allele origin: germline.

ARUP Laboratories, Molecular Genetics and Genomics, ARUP Laboratories
Classification: Benign. Last evaluated: 2023-11-29. Review status: criteria provided, single submitter. Criteria: ARUP Molecular Germline Variant Investigation Process 2024. Collection method: clinical testing. Allele origin: germline.

Illumina Laboratory Services, Illumina
Classification: Likely benign for Retinitis pigmentosa. Last evaluated: 2017-04-27. Review status: criteria provided, single submitter. Criteria: ICSL Variant Classification Criteria 13 December 2019. Collection method: clinical testing. Allele origin: germline.
Comment: This variant was observed as part of a predisposition screen in an ostensibly healthy population. A literature search was performed for the gene, cDNA change, and amino acid change (where applicable). No publications were found based on this search. Allele frequency data from public databases allowed determination this variant is unlikely to cause disease. Therefore, this variant is classified as likely benign.

Breakthrough Genomics
Classification: Likely benign. Review status: criteria provided, single submitter. Criteria: ACMG Guidelines, 2015. Collection method: not provided. Allele origin: germline. Inheritance: Unknown mechanism. Affected: yes.

NM_000717.5(CA4):c.204A>G (p.Gly68=)

Gene: CA4 (carbonic anhydrase 4; plus strand). Cytogenetic location: 17q23.1.
Variant type: single nucleotide variant.
Coding change: c.204A>G on transcript NM_000717.5 (MANE Select); coding-DNA position 204, A replaced by G.
Protein change: p.Gly68=; no amino-acid change (glycine 68 retained).
Molecular consequence: synonymous variant. On other transcripts: non-coding transcript variant (1).
Genome position (GRCh38, 1-based): chr17:60,156,651, A>G. VCF-style: chr17-60156651-A-G. GRCh37 (hg19) VCF-style: chr17-58234012-A-G.
Identifiers: ClinVar variation 324226 (VCV000324226.16), dbSNP rs35468643, ClinGen allele CA8685261.